The following is an entry in ClinVar:

ClinVar aggregate classification (germline): Uncertain significance (1 of 4 stars; one submission).

Conditions:
Nemaline myopathy 6 (NEM6). Also called: Nemaline myopathy 6, autosomal dominant. Identifiers: Orphanet 171439, MedGen C1836472, MONDO:0012237, OMIM 609273.

Allele frequency attached by ClinVar (database versions not stated): gnomAD exomes below 0.00001.
gnomAD v4.1: 1 of 1,546,456 alleles (0.000065%); highest among the groups gnomAD compares: Admixed American, 0.0019%; no homozygotes.

Submission:

Labcorp Genetics (formerly Invitae), Labcorp
Classification: Uncertain significance for Nemaline myopathy 6. Last evaluated: 2023-07-22. Review status: criteria provided, single submitter. Criteria: Invitae Variant Classification Sherloc (09022015). Collection method: clinical testing. Allele origin: germline.
Comment: This sequence change replaces proline, which is neutral and non-polar, with histidine, which is basic and polar, at codon 445 of the KBTBD13 protein (p.Pro445His). This variant is not present in population databases (gnomAD no frequency). This variant has not been reported in the literature in individuals affected with KBTBD13-related conditions. ClinVar contains an entry for this variant (Variation ID: 1474891). An algorithm developed to predict the effect of missense changes on protein structure and function (PolyPhen-2) suggests that this variant is likely to be tolerated. In summary, the available evidence is currently insufficient to determine the role of this variant in disease. Therefore, it has been classified as a Variant of Uncertain Significance.

NM_001101362.3(KBTBD13):c.1334C>A (p.Pro445His)

Gene: KBTBD13 (kelch repeat and BTB domain containing 13; plus strand). Cytogenetic location: 15q22.31.
Variant type: single nucleotide variant.
Coding change: c.1334C>A on transcript NM_001101362.3 (MANE Select); coding-DNA position 1334, C replaced by A.
Protein change: p.Pro445His; replaces proline 445 with histidine.
Molecular consequence: missense variant.
Genome position (GRCh38, 1-based): chr15:65,078,149, C>A. VCF-style: chr15-65078149-C-A. GRCh37 (hg19) VCF-style: chr15-65370487-C-A.
Other names: short protein forms P445H.
Identifiers: ClinVar variation 1474891 (VCV001474891.6), dbSNP rs192406963, ClinGen allele CA392867148.